The following is an entry in ClinVar:

ClinVar aggregate classification (germline): Uncertain significance (1 of 4 stars; one submission).

Conditions:
Larsen syndrome (LRS). Also called: Larsen syndrome (FLNB-LS); Bilateral dislocation of the knees, pes cavus, cylindrically shaped fingers and characteristic facies. Identifiers: Orphanet 503, MedGen C0175778, MONDO:0007875, OMIM 150250. Disease mechanism: loss of function.

Submission:

Laboratorio de Genetica e Diagnostico Molecular, Hospital Israelita Albert Einstein
Classification: Uncertain significance for Larsen syndrome. Last evaluated: 2023-02-03. Review status: criteria provided, single submitter. Criteria: ACMG Guidelines, 2015. Collection method: clinical testing. Allele origin: germline. Affected: yes. Observed: 1 variant allele.
Comment: ACMG classification criteria: PM2 moderated, PP3 supporting

NM_001457.4(FLNB):c.545T>G (p.Leu182Arg)

Gene: FLNB (filamin B; plus strand). Cytogenetic location: 3p14.3.
Variant type: single nucleotide variant.
Coding change: c.545T>G on transcript NM_001457.4 (MANE Select); coding-DNA position 545, T replaced by G.
Protein change: p.Leu182Arg; replaces leucine 182 with arginine.
Molecular consequence: missense variant.
Genome position (GRCh38, 1-based): chr3:58,078,720, T>G. VCF-style: chr3-58078720-T-G. GRCh37 (hg19) VCF-style: chr3-58064447-T-G.
Other names: c.545T>G, p.Leu182Arg (NM_001164317.2, NM_001164318.2, NM_001164319.2); short protein forms L182R.
Identifiers: ClinVar variation 2431809 (VCV002431809.1), dbSNP rs2470996279, ClinGen allele CA353333762.